The following is an entry in ClinVar:

ClinVar aggregate classification (germline): Uncertain significance (1 of 4 stars; one submission).

gnomAD v4.1: 6 of 1,614,180 alleles (0.00037%); highest among the groups gnomAD compares: African/African-American, 0.008%; no homozygotes.

Submission:

Labcorp Genetics (formerly Invitae), Labcorp
Classification: Uncertain significance. Last evaluated: 2025-10-09. Review status: criteria provided, single submitter. Criteria: Invitae Variant Classification Sherloc (09022015). Collection method: clinical testing. Allele origin: germline.
Comment: This sequence change replaces arginine, which is basic and polar, with glutamine, which is neutral and polar, at codon 219 of the KANK4 protein (p.Arg219Gln). The frequency data for this variant in the population databases is considered unreliable, as metrics indicate poor data quality at this position in the gnomAD database. This variant has not been reported in the literature in individuals affected with KANK4-related conditions. An algorithm developed to predict the effect of missense changes on protein structure and function outputs the following: PolyPhen-2: "Benign". The glutamine amino acid residue is found in multiple mammalian species, which suggests that this missense change does not adversely affect protein function. In summary, the available evidence is currently insufficient to determine the role of this variant in disease. Therefore, it has been classified as a Variant of Uncertain Significance.

NM_181712.5(KANK4):c.656G>A (p.Arg219Gln)

Gene: KANK4 (KN motif and ankyrin repeat domains 4; minus strand). Cytogenetic location: 1p31.3.
Variant type: single nucleotide variant.
Coding change: c.656G>A on transcript NM_181712.5 (MANE Select); coding-DNA position 656, G replaced by A.
Protein change: p.Arg219Gln; replaces arginine 219 with glutamine.
Molecular consequence: missense variant. On other transcripts: intron variant (1).
Genome position (GRCh38, 1-based): chr1:62,274,448, C>T on the plus strand (G>A on the coding strand, the complement: KANK4 is on the minus strand). VCF-style: chr1-62274448-C-T. GRCh37 (hg19) VCF-style: chr1-62740120-C-T.
Other names: c.17-2859G>A (NM_001320269.2); short protein forms R219Q.
Identifiers: ClinVar variation 4778542 (VCV004778542.1).